The following is an entry in ClinVar:

NC_000018.9:g.(?_67801689)_(67806972_?)del

Gene: RTTN (rotatin; minus strand). Cytogenetic location: 18q22.2.
Variant type: Deletion.
Identifiers: ClinVar variation 3242822 (VCV003242822.1).

ClinVar aggregate classification (germline): Pathogenic (1 of 4 stars; one submission).

Submission:

Labcorp Genetics (formerly Invitae), Labcorp
Classification: Pathogenic. Last evaluated: 2023-10-15. Review status: criteria provided, single submitter. Criteria: Invitae Variant Classification Sherloc (09022015). Collection method: clinical testing. Allele origin: unknown.
Comment: This variant is a gross deletion of the genomic region encompassing exon(s) 21-23 of the RTTN gene. This deletion is out-of-frame, and is expected to create a premature termination codon and result in an absent or disrupted protein product. Loss-of-function variants in RTTN are known to be pathogenic (PMID: 26608784, 26846091). This variant has not been reported in the literature in individuals affected with RTTN-related conditions. For these reasons, this variant has been classified as Pathogenic.

Literature cited by the submitters: PubMed 26608784; PubMed 26846091.